The following is an entry in ClinVar:

ClinVar aggregate classification (germline): Uncertain significance (1 of 4 stars; one submission).

gnomAD v4.1: 146 of 1,605,420 alleles (0.0091%); highest among the groups gnomAD compares: Non-Finnish European, 0.012%; 1 homozygote.

Submission:

GeneDx
Classification: Uncertain significance. Last evaluated: 2023-06-28. Review status: criteria provided, single submitter. Criteria: GeneDx Variant Classification Process June 2021. Collection method: clinical testing. Allele origin: germline. Affected: yes.
Comment: In silico analysis supports that this missense variant has a deleterious effect on protein structure/function; Has not been previously published as pathogenic or benign to our knowledge

NM_025074.7(FRAS1):c.3056C>T (p.Thr1019Ile)

Gene: FRAS1 (Fraser extracellular matrix complex subunit 1; plus strand). Cytogenetic location: 4q21.21.
Variant type: single nucleotide variant.
Coding change: c.3056C>T on transcript NM_025074.7 (MANE Select); coding-DNA position 3056, C replaced by T.
Protein change: p.Thr1019Ile; replaces threonine 1019 with isoleucine.
Molecular consequence: missense variant.
Genome position (GRCh38, 1-based): chr4:78,374,156, C>T. VCF-style: chr4-78374156-C-T. GRCh37 (hg19) VCF-style: chr4-79295310-C-T.
Other names: c.3056C>T, p.Thr1019Ile (NM_001166133.2); short protein forms T1019I.
Identifiers: ClinVar variation 3360638 (VCV003360638.1).